The following is an entry in ClinVar:

NM_006206.6(PDGFRA):c.407A>T (p.Tyr136Phe)

Gene: PDGFRA (platelet derived growth factor receptor alpha; plus strand). Cytogenetic location: 4q12.
Variant type: single nucleotide variant.
Coding change: c.407A>T on transcript NM_006206.6 (MANE Select); coding-DNA position 407, A replaced by T.
Protein change: p.Tyr136Phe; replaces tyrosine 136 with phenylalanine.
Molecular consequence: missense variant.
Genome position (GRCh38, 1-based): chr4:54,263,706, A>T. VCF-style: chr4-54263706-A-T. GRCh37 (hg19) VCF-style: chr4-55129873-A-T.
Other names: c.407A>T, p.Tyr136Phe (NM_001347827.2, NM_001347829.2); c.482A>T, p.Tyr161Phe (NM_001347828.2); c.446A>T, p.Tyr149Phe (NM_001347830.2); short protein forms Y149F, Y136F, Y161F.
Identifiers: ClinVar variation 1391767 (VCV001391767.6), dbSNP rs1326143004, ClinGen allele CA356889720.

ClinVar aggregate classification (germline): Uncertain significance (1 of 4 stars; one submission).

Conditions:
Gastrointestinal stromal tumor. Also called: Gastrointestinal stroma tumor; Gastrointestinal stromal tumor, somatic. Identifiers: Orphanet 44890, MedGen C0238198, MeSH D046152, MONDO:0011719, OMIM 606764, HP:0100723.

Submission:

Labcorp Genetics (formerly Invitae), Labcorp
Classification: Uncertain significance for Gastrointestinal stromal tumor. Last evaluated: 2024-11-15. Review status: criteria provided, single submitter. Criteria: Invitae Variant Classification Sherloc (09022015). Collection method: clinical testing. Allele origin: germline.
Comment: This sequence change replaces tyrosine, which is neutral and polar, with phenylalanine, which is neutral and non-polar, at codon 136 of the PDGFRA protein (p.Tyr136Phe). This variant is not present in population databases (gnomAD no frequency). This variant has not been reported in the literature in individuals affected with PDGFRA-related conditions. ClinVar contains an entry for this variant (Variation ID: 1391767). Invitae Evidence Modeling of protein sequence and biophysical properties (such as structural, functional, and spatial information, amino acid conservation, physicochemical variation, residue mobility, and thermodynamic stability) indicates that this missense variant is not expected to disrupt PDGFRA protein function with a negative predictive value of 80%. In summary, the available evidence is currently insufficient to determine the role of this variant in disease. Therefore, it has been classified as a Variant of Uncertain Significance.